The following is an entry in ClinVar:

ClinVar aggregate classification (germline): Likely pathogenic (1 of 4 stars; one submission).

Submission:

GeneDx
Classification: Likely pathogenic. Last evaluated: 2025-02-25. Review status: criteria provided, single submitter. Criteria: GeneDx Variant Classification Process June 2021. Collection method: clinical testing. Allele origin: germline. Affected: yes.
Comment: Frameshift variant predicted to result in abnormal protein length as the last 632 amino acid(s) are replaced with 56 different amino acid(s), and other similar variants have been reported in HGMD; Not observed at significant frequency in large population cohorts (gnomAD); This variant is associated with the following publications: (PMID: 29655203)

NM_000834.5(GRIN2B):c.2557_2558del (p.Val853fs)

Gene: GRIN2B (glutamate ionotropic receptor NMDA type subunit 2B; minus strand). Cytogenetic location: 12p13.1.
Variant type: Microsatellite.
Coding change: c.2557_2558del on transcript NM_000834.5 (MANE Select); coding-DNA positions 2557 to 2558, 2 bases deleted (GT; older notation c.2557_2558delGT).
Protein change: p.Val853fs; shifts the reading frame from valine 853.
Molecular consequence: frameshift variant.
Genome position (GRCh38, 1-based): chr12:13,567,065-13,567,066, AC deleted on the plus strand (GT on the coding strand, the reverse complement: GRIN2B is on the minus strand); deleting any 2 consecutive bases within chr12:13,567,065-13,567,068 gives the same sequence; the c. name uses the placement nearest the transcript's 3' end. VCF-style (leftmost placement, unchanged base first): chr12-13567064-GAC-G. GRCh37 (hg19) VCF-style: chr12-13719998-GAC-G.
Other names: c.2557_2558delGT (NM_000834.3); c.2557_2558del (NM_000834.3); short protein forms V853fs.
Identifiers: ClinVar variation 234441 (VCV000234441.3), dbSNP rs876661022, ClinGen allele CA10577442.